The following is an entry in ClinVar:

ClinVar aggregate classification (germline): Uncertain significance (1 of 4 stars; one submission).

Conditions:
Neuronopathy, distal hereditary motor, type 7A. Also called: HARPER-YOUNG MYOPATHY; HMN VIIA; SPINAL MUSCULAR ATROPHY, DISTAL, WITH VOCAL CORD PARALYSIS; Neuronopathy, distal hereditary motor, type viia; NEURONOPATHY, DISTAL HEREDITARY MOTOR, HARDING TYPE VIIA; NEUROPATHY, DISTAL HEREDITARY MOTOR, HARDING TYPE VIIA. Identifiers: Orphanet 139589, MedGen C1834703, MONDO:0008024, OMIM 158580.
Congenital myasthenic syndrome 20. Also called: Myasthenic syndrome, congenital, 20, presynaptic. Identifiers: MedGen C4310694, MONDO:0014939, OMIM 617143.

Submission:

Labcorp Genetics (formerly Invitae), Labcorp
Classification: Uncertain significance for Neuronopathy, distal hereditary motor, type 7A; Congenital myasthenic syndrome 20. Last evaluated: 2023-01-10. Review status: criteria provided, single submitter. Criteria: Invitae Variant Classification Sherloc (09022015). Collection method: clinical testing. Allele origin: germline.
Comment: In summary, the available evidence is currently insufficient to determine the role of this variant in disease. Therefore, it has been classified as a Variant of Uncertain Significance. Advanced modeling of protein sequence and biophysical properties (such as structural, functional, and spatial information, amino acid conservation, physicochemical variation, residue mobility, and thermodynamic stability) performed at Invitae indicates that this missense variant is not expected to disrupt SLC5A7 protein function. This variant has not been reported in the literature in individuals affected with SLC5A7-related conditions. This variant is not present in population databases (gnomAD no frequency). This sequence change replaces aspartic acid, which is acidic and polar, with glutamic acid, which is acidic and polar, at codon 527 of the SLC5A7 protein (p.Asp527Glu).

NM_021815.5(SLC5A7):c.1581T>A (p.Asp527Glu)

Gene: SLC5A7 (solute carrier family 5 member 7; plus strand). Cytogenetic location: 2q12.3.
Variant type: single nucleotide variant.
Coding change: c.1581T>A on transcript NM_021815.5 (MANE Select); coding-DNA position 1581, T replaced by A.
Protein change: p.Asp527Glu; replaces aspartic acid 527 with glutamic acid.
Molecular consequence: missense variant.
Genome position (GRCh38, 1-based): chr2:108,010,699, T>A. VCF-style: chr2-108010699-T-A. GRCh37 (hg19) VCF-style: chr2-108627155-T-A.
Other names: c.1581T>A, p.Asp527Glu (NM_001305005.3); c.1266T>A, p.Asp422Glu (NM_001305006.3); c.840T>A, p.Asp280Glu (NM_001305007.3); short protein forms D280E, D422E, D527E.
Identifiers: ClinVar variation 2940915 (VCV002940915.3), dbSNP rs2467134531, ClinGen allele CA348114894.